The following is an entry in ClinVar:

ClinVar aggregate classification (germline): Likely benign. Review status: criteria provided, multiple submitters, no conflicts (2 of 4 stars). 2 submissions from 2 submitters: Likely benign (2). Last evaluated 2025-12-17.

Allele frequency attached by ClinVar (database versions not stated): gnomAD exomes 0.00006 and 0.00013; ExAC 0.00019; gnomAD 0.00072 and 0.00080; ESP Exome Variant Server 0.00077; TOPMed 0.00082.
gnomAD v4.1: 198 of 1,613,912 alleles (0.012%); highest among the groups gnomAD compares: African/African-American, 0.24%; no homozygotes.

Submissions (3):

Labcorp Genetics (formerly Invitae), Labcorp
Classification: Likely benign. Last evaluated: 2025-12-17. Review status: criteria provided, single submitter. Criteria: Invitae Variant Classification Sherloc (09022015). Collection method: clinical testing. Allele origin: germline.

Mayo Clinic Laboratories, Mayo Clinic
Classification: Likely benign. Last evaluated: 2025-07-29. Review status: criteria provided, single submitter. Criteria: ACMG Guidelines, 2015. Collection method: clinical testing. Allele origin: germline. Observed: 1 variant allele.
Comment: BS1, BP4, BP7

Dr. Peter K. Rogan Lab, Western University
No classification provided (evidence only). Condition: Familial cancer of breast. Review status: no classification provided. Collection method: in vitro. Allele origin: not applicable. Functional consequence: retained intron. Not counted in ClinVar's aggregate classification.

NM_015122.3(FCHO1):c.2088G>C (p.Leu696=)

Gene: FCHO1 (FCH and mu domain containing endocytic adaptor 1; plus strand). Cytogenetic location: 19p13.11.
Variant type: single nucleotide variant.
Coding change: c.2088G>C on transcript NM_015122.3 (MANE Select); coding-DNA position 2088, G replaced by C.
Protein change: p.Leu696=; no amino-acid change (leucine 696 retained).
Molecular consequence: synonymous variant. On other transcripts: non-coding transcript variant (36).
Genome position (GRCh38, 1-based): chr19:17,783,167, G>C. VCF-style: chr19-17783167-G-C. GRCh37 (hg19) VCF-style: chr19-17893976-G-C.
Other names: p.Leu696=; c.2088G>C, p.Leu696= (NM_001161357.2, NM_001161358.2, NM_001384370.1 and 13 more transcripts); c.1938G>C, p.Leu646= (NM_001161359.2, NM_001384384.1, NM_001384385.1 and 1 more transcripts); c.2049G>C, p.Leu683= (NM_001384388.1, NM_001384389.1, NM_001384405.1); c.2013G>C, p.Leu671= (NM_001384390.1); c.1971G>C, p.Leu657= (NM_001384392.1, NM_001384393.1, NM_001384394.1 and 1 more transcripts); c.1812G>C, p.Leu604= (NM_001384396.1, NM_001384397.1, NM_001384398.1 and 5 more transcripts); c.1767G>C, p.Leu589= (NM_001384403.1); and 2 more.
Identifiers: ClinVar variation 1594541 (VCV001594541.10), dbSNP rs143447435, ClinGen allele CA9300738.